The following is an entry in ClinVar:

ClinVar aggregate classification (germline): Benign (1 of 4 stars; one submission).

Conditions:
Joubert syndrome 15 (JBTS15). Identifiers: Orphanet 475, MedGen C3280897, MONDO:0013763, OMIM 614464.

Allele frequency attached by ClinVar (database versions not stated): ExAC 0.00009; gnomAD exomes 0.00022 and 0.00023; gnomAD 0.00080 and 0.00082; 1000 Genomes Project 0.00140; 1000 Genomes Project 30x 0.00156; TOPMed 0.00163.
gnomAD v4.1: 194 of 454,036 alleles (0.043%); highest among the groups gnomAD compares: Admixed American, 0.26%; 1 homozygote.

Submission:

Illumina Laboratory Services, Illumina
Classification: Benign for Joubert syndrome 15. Last evaluated: 2017-04-27. Review status: criteria provided, single submitter. Criteria: ICSL Variant Classification Criteria 13 December 2019. Collection method: clinical testing. Allele origin: germline.
Comment: This variant was observed as part of a predisposition screen in an ostensibly healthy population. A literature search was performed for the gene, cDNA change, and amino acid change (where applicable). No publications were found based on this search. Allele frequency data from public databases was too high to be consistent with this variant causing disease. Therefore, this variant is classified as benign.

NM_018718.3(CEP41):c.*3856C>T

Gene: CEP41 (centrosomal protein 41; minus strand). Cytogenetic location: 7q32.2.
Variant type: single nucleotide variant.
Coding change: c.*3856C>T on transcript NM_018718.3 (MANE Select); 3856 bases downstream of the stop codon, C replaced by T.
Molecular consequence: 3 prime UTR variant. On other transcripts: non-coding transcript variant (1).
Genome position (GRCh38, 1-based): chr7:130,395,035, G>A on the plus strand (C>T on the coding strand, the complement: CEP41 is on the minus strand). VCF-style: chr7-130395035-G-A. GRCh37 (hg19) VCF-style: chr7-130034876-G-A.
Other names: c.*3856C>T (NM_001257158.2, NM_001257159.2).
Identifiers: ClinVar variation 910073 (VCV000910073.4), dbSNP rs187532705, ClinGen allele CA4485154.